The following is an entry in ClinVar:

ClinVar aggregate classification (germline): Uncertain significance. Review status: criteria provided, multiple submitters, no conflicts (2 of 4 stars). 4 submissions from 4 submitters: Uncertain significance (3). 1 of the submissions does not count toward it. Last evaluated 2026-04-22.

Conditions:
Inborn genetic diseases. Identifiers: MedGen C0950123, MeSH D030342.
Propionic acidemia (PROP). Also called: GLYCINEMIA, KETOTIC; HYPERGLYCINEMIA WITH KETOACIDOSIS AND LEUKOPENIA; KETOTIC HYPERGLYCINEMIA. Identifiers: Orphanet 35, MedGen C0268579, MONDO:0011628, OMIM 606054, HP:0003571.

Allele frequency attached by ClinVar (database versions not stated): gnomAD 0.00001; gnomAD exomes 0.00004; ExAC 0.00003; TOPMed 0.00001.
gnomAD v4.1: 69 of 1,587,810 alleles (0.0043%); highest among the groups gnomAD compares: Non-Finnish European, 0.0053%; no homozygotes.

Submissions (4):

GeneDx
Classification: Uncertain significance. Last evaluated: 2026-04-22. Review status: criteria provided, single submitter. Criteria: GeneDx Variant Classification Process June 2021. Collection method: clinical testing. Allele origin: germline.
Comment: Not observed at significant frequency in large population cohorts (gnomAD); In silico analysis suggests that this missense variant does not alter protein structure/function; Has not been previously published as pathogenic or benign to our knowledge

Ambry Genetics
Classification: Uncertain significance for Inborn genetic diseases. Last evaluated: 2024-12-20. Review status: criteria provided, single submitter. Criteria: Ambry Variant Classification Scheme 2023. Collection method: clinical testing. Allele origin: germline.

Labcorp Genetics (formerly Invitae), Labcorp
Classification: Uncertain significance for Propionic acidemia. Last evaluated: 2022-07-31. Review status: criteria provided, single submitter. Criteria: Invitae Variant Classification Sherloc (09022015). Collection method: clinical testing. Allele origin: germline.
Comment: This sequence change replaces valine, which is neutral and non-polar, with phenylalanine, which is neutral and non-polar, at codon 16 of the PCCB protein (p.Val16Phe). This variant is present in population databases (rs780842004, gnomAD 0.007%). This variant has not been reported in the literature in individuals affected with PCCB-related conditions. ClinVar contains an entry for this variant (Variation ID: 656449). Advanced modeling of protein sequence and biophysical properties (such as structural, functional, and spatial information, amino acid conservation, physicochemical variation, residue mobility, and thermodynamic stability) performed at Invitae indicates that this missense variant is not expected to disrupt PCCB protein function. In summary, the available evidence is currently insufficient to determine the role of this variant in disease. Therefore, it has been classified as a Variant of Uncertain Significance.

Natera, Inc.
Classification: Uncertain significance for Propionic acidemia. Last evaluated: 2020-10-12. Review status: no assertion criteria provided. Collection method: clinical testing. Allele origin: germline. Not counted in ClinVar's aggregate classification.

NM_000532.5(PCCB):c.46G>T (p.Val16Phe)

Gene: PCCB (propionyl-CoA carboxylase subunit beta; plus strand). Cytogenetic location: 3q22.3.
Variant type: single nucleotide variant.
Coding change: c.46G>T on transcript NM_000532.5 (MANE Select); coding-DNA position 46, G replaced by T.
Protein change: p.Val16Phe; replaces valine 16 with phenylalanine.
Molecular consequence: missense variant.
Genome position (GRCh38, 1-based): chr3:136,250,421, G>T. VCF-style: chr3-136250421-G-T. GRCh37 (hg19) VCF-style: chr3-135969263-G-T.
Other names: c.46G>T, p.Val16Phe (NM_001178014.2); short protein forms V16F.
Identifiers: ClinVar variation 656449 (VCV000656449.8), dbSNP rs780842004, ClinGen allele CA2631556.
Genomic context (GRCh38, chr3:136,250,421, plus strand): 5'-GCCGGCACAGCAAAAATGGCGGCGGCATTACGGGTGGCGGCGGTCGGGGCAAGGCTCAGC[G>T]TTCTGGCGAGCGGTCTCCGCGCCGCGGTCCGCAGCCTTTGCAGCCAGGCCACCTCTGTTA-3'
Protein context (NP_000523.2, residues 6-26): RVAAVGARLS[Val16Phe]LASGLRAAVR